The following is an entry in ClinVar:

NM_001035.3(RYR2):c.11402+6G>A

Gene: RYR2 (ryanodine receptor 2; plus strand). Cytogenetic location: 1q43.
Variant type: single nucleotide variant.
Coding change: c.11402+6G>A on transcript NM_001035.3 (MANE Select); 6 bases into the intron after coding-DNA position 11402, G replaced by A.
Molecular consequence: intron variant.
Genome position (GRCh38, 1-based): chr1:237,759,858, G>A. VCF-style: chr1-237759858-G-A. GRCh37 (hg19) VCF-style: chr1-237923158-G-A.
Other names: c.11402+6G>A (LRG_402t1).
Identifiers: ClinVar variation 378493 (VCV000378493.7), dbSNP rs374183234, ClinGen allele CA084942.

ClinVar aggregate classification (germline): Conflicting classifications of pathogenicity. Review status: criteria provided, conflicting classifications (1 of 4 stars). 4 submissions from 4 submitters: Uncertain significance (1); Likely benign (3). Last evaluated 2025-09-14.

Conditions:
Catecholaminergic polymorphic ventricular tachycardia (CVPT). Also called: Catecholamine-induced polymorphic ventricular tachycardia. Identifiers: Orphanet 3286, MedGen C5574922, MONDO:0017990.
Cardiomyopathy (CMYO). Also called: Cardiomyopathies. Identifiers: Orphanet 167848, MedGen C0878544, MONDO:0004994, HP:0001638. Inheritance: Various modes of inheritance.
Catecholaminergic polymorphic ventricular tachycardia 1. Also called: RYR2-Related Catecholaminergic Polymorphic Ventricular Tachycardia; VENTRICULAR TACHYCARDIA, STRESS-INDUCED POLYMORPHIC 1; VENTRICULAR TACHYCARDIA, CATECHOLAMINERGIC POLYMORPHIC, 1, WITH OR WITHOUT ATRIAL DYSFUNCTION AND/OR DILATED CARDIOMYOPATHY. Identifiers: Orphanet 3286, MedGen C1631597, MONDO:0011484, OMIM 604772.

Allele frequency attached by ClinVar (database versions not stated): gnomAD exomes below 0.00001 and 0.00001; ExAC 0.00001; gnomAD 0.00001; TOPMed 0.00001; ESP Exome Variant Server 0.00008.
gnomAD v4.1: 10 of 1,592,392 alleles (0.00063%); highest among the groups gnomAD compares: South Asian, 0.0011%; no homozygotes.

Submissions (4):

Labcorp Genetics (formerly Invitae), Labcorp
Classification: Uncertain significance for Catecholaminergic polymorphic ventricular tachycardia 1. Last evaluated: 2025-09-14. Review status: criteria provided, single submitter. Criteria: Invitae Variant Classification Sherloc (09022015). Collection method: clinical testing. Allele origin: germline.
Comment: This sequence change falls in intron 83 of the RYR2 gene. It does not directly change the encoded amino acid sequence of the RYR2 protein. It affects a nucleotide within the consensus splice site. The frequency data for this variant in the population databases is considered unreliable, as metrics indicate poor data quality at this position in the gnomAD database. This variant has not been reported in the literature in individuals affected with RYR2-related conditions. ClinVar contains an entry for this variant (Variation ID: 378493). Variants that disrupt the consensus splice site are a relatively common cause of aberrant splicing (PMID: 17576681, 9536098). Algorithms developed to predict the effect of sequence changes on RNA splicing suggest that this variant is not likely to affect RNA splicing. In summary, the available evidence is currently insufficient to determine the role of this variant in disease. Therefore, it has been classified as a Variant of Uncertain Significance.

All of Us Research Program, National Institutes of Health
Classification: Likely benign for Catecholaminergic polymorphic ventricular tachycardia. Last evaluated: 2024-01-03. Review status: criteria provided, single submitter. Criteria: ACMG Guidelines, 2015. Collection method: clinical testing. Allele origin: germline. Inheritance: Autosomal dominant inheritance. Observed: 3 variant alleles, 3 heterozygotes.
Comment: This study involves interpretation of variants in research participants for the purpose of population health screening. Participant phenotype was not available at the time of variant classification. Additional details can be found in publication PMID: 35346344, PMCID: PMC8962531

Color Diagnostics, LLC DBA Color Health
Classification: Likely benign for Cardiomyopathy. Last evaluated: 2019-03-08. Review status: criteria provided, single submitter. Criteria: ACMG Guidelines, 2015. Collection method: clinical testing. Allele origin: germline.

GeneDx
Classification: Likely benign. Last evaluated: 2016-05-23. Review status: criteria provided, single submitter. Criteria: GeneDx Variant Classification (06012015). Collection method: clinical testing. Allele origin: germline. Affected: yes.
Comment: This variant is considered likely benign or benign based on one or more of the following criteria: it is a conservative change, it occurs at a poorly conserved position in the protein, it is predicted to be benign by multiple in silico algorithms, and/or has population frequency not consistent with disease.

Literature cited by the submitters: PubMed 17576681 (cited by Labcorp Genetics (formerly Invitae), Labcorp); PubMed 9536098 (cited by Labcorp Genetics (formerly Invitae), Labcorp).